The following is an entry in ClinVar:

ClinVar aggregate classification (germline): Pathogenic. Review status: reviewed by expert panel (3 of 4 stars). 2 submissions from 2 submitters: Pathogenic (1). 1 of the submissions does not count toward it. Last evaluated 2016-10-18.

Conditions:
Breast-ovarian cancer, familial, susceptibility to, 1 (BROVCA1). Also called: BRCA1 Hereditary Breast and Ovarian Cancer; OVARIAN CANCER, SUSCEPTIBILITY TO. Identifiers: Orphanet 145, MedGen C2676676, MONDO:0011450, OMIM 604370. Disease mechanism: loss of function.

Submissions (2):

Evidence-based Network for the Interpretation of Germline Mutant Alleles (ENIGMA)
Classification: Pathogenic for Breast-ovarian cancer, familial, susceptibility to, 1. Last evaluated: 2016-10-18. Review status: reviewed by expert panel. Criteria: ENIGMA BRCA1/2 Classification Criteria (2015). Collection method: curation. Allele origin: germline.
Comment: Variant allele predicted to encode a truncated non-functional protein.

Consortium of Investigators of Modifiers of BRCA1/2 (CIMBA), c/o University of Cambridge
Classification: Pathogenic for Breast-ovarian cancer, familial, susceptibility to, 1. Last evaluated: 2015-10-02. Review status: criteria provided, single submitter. Criteria: CIMBA Mutation Classification guidelines May 2016. Collection method: clinical testing. Allele origin: germline. Not counted in ClinVar's aggregate classification.

NM_007294.4(BRCA1):c.3485_3488del (p.Asp1162fs)

Genes: BRCA1 (BRCA1 DNA repair associated; minus strand), LOC126862571 (BRD4-independent group 4 enhancer GRCh37_chr17:41243136-41244335; plus strand). Cytogenetic location: 17q21.31.
Variant type: Deletion.
Coding change: c.3485_3488del on transcript NM_007294.4 (MANE Select); coding-DNA positions 3485 to 3488, 4 bases deleted (ATAC; older notation c.3485_3488delATAC).
Protein change: p.Asp1162fs; shifts the reading frame from aspartic acid 1162.
Molecular consequence: frameshift variant. On other transcripts: intron variant (135).
Genome position (GRCh38, 1-based): chr17:43,092,043-43,092,046, GTAT deleted on the plus strand (ATAC on the coding strand, the reverse complement: BRCA1 is on the minus strand). VCF-style (leftmost placement, unchanged base first): chr17-43092042-AGTAT-A. GRCh37 (hg19) VCF-style: chr17-41244059-AGTAT-A.
Other names: 3604_3607delATAC; c.3272_3275del, p.Asp1091fs (NM_001407571.1, NM_001407853.1, NM_001407894.1 and 9 more transcripts); c.3485_3488del, p.Asp1162fs (NM_001407581.1, NM_001407582.1, NM_001407583.1 and 30 more transcripts); c.3482_3485del, p.Asp1161fs (NM_001407587.1, NM_001407590.1, NM_001407591.1 and 22 more transcripts); c.3476_3479del, p.Asp1159fs (NM_001407646.1, NM_001407647.1); c.3362_3365del, p.Asp1121fs (NM_001407648.1, NM_001407664.1, NM_001407665.1 and 19 more transcripts); c.3359_3362del, p.Asp1120fs (NM_001407649.1, NM_001407670.1, NM_001407671.1 and 11 more transcripts); c.3407_3410del, p.Asp1136fs (NM_001407653.1, NM_001407654.1, NM_001407655.1 and 4 more transcripts); and 43 more; short protein forms D1162fs, D1115fs, D1074fs, D1091fs, D1092fs, D1094fs, D1095fs, D1121fs.
Identifiers: ClinVar variation 266375 (VCV000266375.6), dbSNP rs886040134, ClinGen allele CA10589749.